The following is an entry in ClinVar:

ClinVar aggregate classification (germline): Pathogenic (1 of 4 stars; one submission).

Conditions:
NUP14 Related Disorders.

Submission:

Women's Health and Genetics/Laboratory Corporation of America, LabCorp
Classification: Pathogenic for NUP14 Related Disorders. Last evaluated: 2024-09-18. Review status: criteria provided, single submitter. Criteria: LabCorp Variant Classification Summary - May 2015. Collection method: clinical testing. Allele origin: germline.
Comment: Variant summary: NUP214 c.2939_2943dupACTTG (p.Asp982ThrfsX69) results in a premature termination codon, predicted to cause a truncation of the encoded protein or absence of the protein due to nonsense mediated decay, which are commonly known mechanisms for disease. The variant was absent in 250534 control chromosomes. To our knowledge, no occurrence of c.2939_2943dupACTTG in individuals affected with NUP14 Related Disorders and no experimental evidence demonstrating its impact on protein function have been reported. No submitters have cited clinical-significance assessments for this variant to ClinVar. Based on the evidence outlined above, the variant was classified as pathogenic.

NM_005085.4(NUP214):c.2939_2943dup (p.Asp982fs)

Gene: NUP214 (nucleoporin 214; plus strand). Cytogenetic location: 9q34.13.
Variant type: Duplication.
Coding change: c.2939_2943dup on transcript NM_005085.4 (MANE Select); coding-DNA positions 2939 to 2943, 5 bases duplicated (ACTTG; older notation c.2939_2943dupACTTG).
Protein change: p.Asp982fs; shifts the reading frame from aspartic acid 982.
Molecular consequence: frameshift variant.
Genome position (GRCh38, 1-based): chr9:131,174,100-131,174,104, ACTTG duplicated; duplicating any 5 consecutive bases within chr9:131,174,099-131,174,104 gives the same sequence; the c. name uses the placement nearest the transcript's 3' end. VCF-style (leftmost placement, unchanged base first): chr9-131174098-A-AGACTT. GRCh37 (hg19) VCF-style: chr9-134049485-A-AGACTT.
Other names: c.2909_2913dup, p.Asp972fs (NM_001318324.2); c.2939_2943dupACTTG (NM_005085.4); short protein forms D972fs, D982fs.
Identifiers: ClinVar variation 3375390 (VCV003375390.1).